The following is an entry in ClinVar:

ClinVar aggregate classification (germline): Likely benign (1 of 4 stars; one submission).

gnomAD v4.1: 582 of 1,614,094 alleles (0.036%); highest among the groups gnomAD compares: African/African-American, 0.64%; 3 homozygotes.

Submission:

CeGaT Center for Human Genetics Tuebingen
Classification: Likely benign. Last evaluated: 2024-12-01. Review status: criteria provided, single submitter. Criteria: CeGaT Center For Human Genetics Tuebingen Variant Classification Criteria Version 2. Collection method: clinical testing. Allele origin: germline. Affected: yes. Observed: 1 variant allele.
Comment: TLN1: BP4, BP7

NM_006289.4(TLN1):c.564C>T (p.His188=)

Gene: TLN1 (talin 1; minus strand). Cytogenetic location: 9p13.3.
Variant type: single nucleotide variant.
Coding change: c.564C>T on transcript NM_006289.4 (MANE Select); coding-DNA position 564, C replaced by T.
Protein change: p.His188=; no amino-acid change (histidine 188 retained).
Molecular consequence: synonymous variant.
Genome position (GRCh38, 1-based): chr9:35,724,282, G>A on the plus strand (C>T on the coding strand, the complement: TLN1 is on the minus strand). VCF-style: chr9-35724282-G-A. GRCh37 (hg19) VCF-style: chr9-35724279-G-A.
Identifiers: ClinVar variation 3770795 (VCV003770795.13).